The following is an entry in ClinVar:

ClinVar aggregate classification (germline): Uncertain significance. Review status: criteria provided, multiple submitters, no conflicts (2 of 4 stars). 2 submissions from 2 submitters: Uncertain significance (2). Last evaluated 2025-08-10.

Conditions:
RASopathy. Also called: rasopathies; Noonan spectrum disorder. Identifiers: Orphanet 536391, MedGen C5555857, MONDO:0021060.

Allele frequency attached by ClinVar (database versions not stated): TOPMed 0.00001.

Submissions (2):

Labcorp Genetics (formerly Invitae), Labcorp
Classification: Uncertain significance for RASopathy. Last evaluated: 2025-08-10. Review status: criteria provided, single submitter. Criteria: Invitae Variant Classification Sherloc (09022015). Collection method: clinical testing. Allele origin: germline.
Comment: This sequence change replaces threonine, which is neutral and polar, with alanine, which is neutral and non-polar, at codon 521 of the BRAF protein (p.Thr521Ala). This variant is not present in population databases (gnomAD no frequency). This variant has not been reported in the literature in individuals affected with BRAF-related conditions. ClinVar contains an entry for this variant (Variation ID: 2711713). Invitae Evidence Modeling of protein sequence and biophysical properties (such as structural, functional, and spatial information, amino acid conservation, physicochemical variation, residue mobility, and thermodynamic stability) indicates that this missense variant is not expected to disrupt BRAF protein function with a negative predictive value of 80%. In summary, the available evidence is currently insufficient to determine the role of this variant in disease. Therefore, it has been classified as a Variant of Uncertain Significance.

Blueprint Genetics
Classification: Uncertain significance. Last evaluated: 2021-11-18. Review status: criteria provided, single submitter. Criteria: ACMG Guidelines, 2015. Collection method: clinical testing. Allele origin: germline.

NM_004333.6(BRAF):c.1561A>G (p.Thr521Ala)

Gene: BRAF (B-Raf proto-oncogene, serine/threonine kinase; minus strand). Cytogenetic location: 7q34.
Variant type: single nucleotide variant.
Coding change: c.1561A>G on transcript NM_004333.6 (MANE Select); coding-DNA position 1561, A replaced by G.
Protein change: p.Thr521Ala; replaces threonine 521 with alanine.
Molecular consequence: missense variant.
Genome position (GRCh38, 1-based): chr7:140,777,045, T>C on the plus strand (A>G on the coding strand, the complement: BRAF is on the minus strand). VCF-style: chr7-140777045-T-C. GRCh37 (hg19) VCF-style: chr7-140476845-T-C.
Other names: c.1561A>G, p.Thr521Ala (NM_001354609.2, NM_001378468.1, NM_001378474.1); c.1681A>G, p.Thr561Ala (NM_001374244.1, NM_001374258.1); c.1570A>G, p.Thr524Ala (NM_001378467.1); c.1495A>G, p.Thr499Ala (NM_001378469.1); c.1459A>G, p.Thr487Ala (NM_001378470.1); c.1450A>G, p.Thr484Ala (NM_001378471.1); c.1405A>G, p.Thr469Ala (NM_001378472.1, NM_001378473.1); c.1297A>G, p.Thr433Ala (NM_001378475.1); short protein forms T484A, T487A, T499A, T561A, T469A, T521A, T433A, T524A.
Identifiers: ClinVar variation 2711713 (VCV002711713.4), dbSNP rs1800399164, ClinGen allele CA369588240.